The following is an entry in ClinVar:

ClinVar aggregate classification (germline): Conflicting classifications of pathogenicity. Review status: criteria provided, conflicting classifications (1 of 4 stars). 6 submissions from 6 submitters: Uncertain significance (4); Likely benign (1). 1 of the submissions does not count toward it. Last evaluated 2026-06-04.

Conditions:
DYNC2H1-related disorder. Also called: DYNC2H1-related condition; DYNC2H1-related disorders. Identifiers: MedGen CN378770.
Inborn genetic diseases. Identifiers: MedGen C0950123, MeSH D030342.
Jeune thoracic dystrophy. Also called: Jeune syndrome; Infantile thoracic dystrophy; Thoracic pelvic phalangeal dystrophy; Jeune's syndrome; Chondroectodermal dysplasia-like syndrome; Short-rib thoracic dysplasia. Identifiers: Orphanet 474, MedGen C0265275, MONDO:0018770.

Allele frequency attached by ClinVar (database versions not stated): gnomAD exomes 0.00005 and 0.00012; ExAC 0.00012; ESP Exome Variant Server 0.00034; gnomAD 0.00040 and 0.00042; TOPMed 0.00043; 1000 Genomes Project 30x 0.00047; 1000 Genomes Project 0.00060.
gnomAD v4.1: 133 of 1,607,548 alleles (0.0083%); highest among the groups gnomAD compares: African/African-American, 0.16%; no homozygotes.

Submissions (6):

Ambry Genetics
Classification: Uncertain significance for Inborn genetic diseases. Last evaluated: 2026-06-04. Review status: criteria provided, single submitter. Criteria: Ambry Variant Classification Scheme 2023. Collection method: clinical testing. Allele origin: germline.

Labcorp Genetics (formerly Invitae), Labcorp
Classification: Likely benign for Jeune thoracic dystrophy. Last evaluated: 2026-01-13. Review status: criteria provided, single submitter. Criteria: Invitae Variant Classification Sherloc (09022015). Collection method: clinical testing. Allele origin: germline.

Women's Health and Genetics/Laboratory Corporation of America, LabCorp
Classification: Uncertain significance. Last evaluated: 2024-06-11. Review status: criteria provided, single submitter. Criteria: LabCorp Variant Classification Summary - May 2015. Collection method: clinical testing. Allele origin: germline.
Comment: Variant summary: DYNC2H1 c.1966G>A (p.Gly656Arg) results in a non-conservative amino acid change in the encoded protein sequence. Four of five in-silico tools predict a damaging effect of the variant on protein function. The variant allele was found at a frequency of 0.00012 in 243794 control chromosomes, predominantly at a frequency of 0.0018 within the African or African-American subpopulation in the gnomAD database. This frequency is not significantly higher than estimated for a pathogenic variant in DYNC2H1 causing Short-rib thoracic dysplasia (0.00012 vs 0.0025), allowing no conclusion about variant significance. To our knowledge, no occurrence of c.1966G>A in individuals affected with Short-rib thoracic dysplasia and no experimental evidence demonstrating its impact on protein function have been reported. ClinVar contains an entry for this variant (Variation ID: 194348). Based on the evidence outlined above, the variant was classified as uncertain significance.

Blueprint Genetics
Classification: Uncertain significance. Last evaluated: 2023-02-15. Review status: criteria provided, single submitter. Criteria: ACMG Guidelines, 2015. Collection method: clinical testing. Allele origin: germline.

Eurofins Ntd Llc (ga)
Classification: Uncertain significance. Last evaluated: 2015-06-01. Review status: criteria provided, single submitter. Criteria: EGL Classification Definitions 2015. Collection method: clinical testing. Allele origin: germline. Observed: 1 variant allele, 1 heterozygote.

PreventionGenetics, part of Exact Sciences
Classification: Likely benign for DYNC2H1-related condition. Last evaluated: 2023-08-30. Review status: no assertion criteria provided. Collection method: clinical testing. Allele origin: germline. Not counted in ClinVar's aggregate classification.
Comment: This variant is classified as likely benign based on ACMG/AMP sequence variant interpretation guidelines (Richards et al. 2015 PMID: 25741868, with internal and published modifications).

NM_001377.3(DYNC2H1):c.1966G>A (p.Gly656Arg)

Gene: DYNC2H1 (dynein cytoplasmic 2 heavy chain 1; plus strand). Cytogenetic location: 11q22.3.
Variant type: single nucleotide variant.
Coding change: c.1966G>A on transcript NM_001377.3 (MANE Select); coding-DNA position 1966, G replaced by A.
Protein change: p.Gly656Arg; replaces glycine 656 with arginine.
Molecular consequence: missense variant.
Genome position (GRCh38, 1-based): chr11:103,133,567, G>A. VCF-style: chr11-103133567-G-A. GRCh37 (hg19) VCF-style: chr11-103004296-G-A.
Other names: c.1966G>A, p.Gly656Arg (NM_001080463.2); short protein forms G656R.
Identifiers: ClinVar variation 194348 (VCV000194348.18), dbSNP rs369040584, ClinGen allele CA240268.